The following is an entry in ClinVar:

NM_000512.5(GALNS):c.1201C>T (p.His401Tyr)

Gene: GALNS (galactosamine (N-acetyl)-6-sulfatase; minus strand). Cytogenetic location: 16q24.3.
Variant type: single nucleotide variant.
Coding change: c.1201C>T on transcript NM_000512.5 (MANE Select); coding-DNA position 1201, C replaced by T.
Protein change: p.His401Tyr; replaces histidine 401 with tyrosine.
Molecular consequence: missense variant.
Genome position (GRCh38, 1-based): chr16:88,824,808, G>A on the plus strand (C>T on the coding strand, the complement: GALNS is on the minus strand). VCF-style: chr16-88824808-G-A. GRCh37 (hg19) VCF-style: chr16-88891216-G-A.
Other names: c.646C>T, p.His216Tyr (NM_001323543.2); c.1219C>T, p.His407Tyr (NM_001323544.2); short protein forms H216Y, H401Y, H407Y.
Identifiers: ClinVar variation 1048330 (VCV001048330.5), dbSNP rs2142993806, ClinGen allele CA397097574.

ClinVar aggregate classification (germline): Conflicting classifications of pathogenicity. Review status: criteria provided, conflicting classifications (1 of 4 stars). 2 submissions from 2 submitters: Likely pathogenic (1); Uncertain significance (1). Last evaluated 2024-01-31.

Conditions:
Mucopolysaccharidosis, MPS-IV-A (MPS4A). Also called: Mucopolysaccharidosis type IV A; Mucopolysaccharidosis Type IVA; Morquio syndrome A, mild; MORQUIO SYNDROME A; MPS IVA; mucopolysaccharidosis type 4A. Identifiers: Orphanet 309297, Orphanet 582, MedGen C0086651, MONDO:0009659, OMIM 253000.

Allele frequency attached by ClinVar (database versions not stated): gnomAD exomes below 0.00001.

Submissions (2):

Labcorp Genetics (formerly Invitae), Labcorp
Classification: Likely pathogenic for Mucopolysaccharidosis, MPS-IV-A. Last evaluated: 2024-01-31. Review status: criteria provided, single submitter. Criteria: Invitae Variant Classification Sherloc (09022015). Collection method: clinical testing. Allele origin: germline.
Comment: This sequence change replaces histidine, which is basic and polar, with tyrosine, which is neutral and polar, at codon 401 of the GALNS protein (p.His401Tyr). This variant is not present in population databases (gnomAD no frequency). This missense change has been observed in individual(s) with mucopolysaccharidosis type IVA (PMID: 25545067). ClinVar contains an entry for this variant (Variation ID: 1048330). Advanced modeling of protein sequence and biophysical properties (such as structural, functional, and spatial information, amino acid conservation, physicochemical variation, residue mobility, and thermodynamic stability) performed at Invitae indicates that this missense variant is expected to disrupt GALNS protein function with a positive predictive value of 95%. In summary, the currently available evidence indicates that the variant is pathogenic, but additional data are needed to prove that conclusively. Therefore, this variant has been classified as Likely Pathogenic.

Laboratory of Diagnosis and Therapy of Lysosomal Disorders, University of Padova
Classification: Uncertain significance for Mucopolysaccharidosis, MPS-IV-A. Last evaluated: 2021-02-01. Review status: criteria provided, single submitter. Criteria: ACMG Guidelines, 2015. Collection method: curation. Allele origin: germline. Affected: yes.
Comment: Absent from gnomAD v2.1.1 (PM2_moderate); multiple lines of computational evidence support a deleterious effect on the gene (PP3_supporting)

Literature cited by the submitters: PubMed 25545067 (cited by Labcorp Genetics (formerly Invitae), Labcorp and Laboratory of Diagnosis and Therapy of Lysosomal Disorders, University of Padova); PubMed 16287098 (cited by Laboratory of Diagnosis and Therapy of Lysosomal Disorders, University of Padova); PubMed 34387910 (cited by Laboratory of Diagnosis and Therapy of Lysosomal Disorders, University of Padova).